The following is an entry in ClinVar:

NM_007294.3:c.1363insT

Gene: BRCA1 (BRCA1 DNA repair associated; minus strand). Cytogenetic location: 17q21.31.
Variant type: Insertion.
Identifiers: ClinVar variation 182104 (VCV000182104.2).

ClinVar aggregate classification (germline): Pathogenic (1 of 4 stars; one submission).

Conditions:
Familial cancer of breast. Also called: BREAST CANCER, FAMILIAL; Hereditary breast cancer; hereditary breast carcinoma. Identifiers: Orphanet 227535, MedGen C0346153, MONDO:0016419, OMIM 114480. Disease mechanism: loss of function.

Submission:

GeneDx
Classification: Pathogenic for Familial cancer of breast. Last evaluated: 2014-05-20. Review status: criteria provided, single submitter. Criteria: GeneDx Variant Classification (06012015). Collection method: clinical testing. Allele origin: germline. Affected: yes.
Comment: This insertion of one nucleotide is denoted BRCA1 c.1363_1364insT at the cDNA level and p.Asn455IlefsX3 (N455IfsX3) at the protein level. The normal sequence, with the base that is inserted in brackets, is AGTA{T}ATAT. The insertion causes a frameshift, which changes an Asparagine to an Isoleucine at codon 455 in exon 10, and creates a premature stop codon at position 3 of the new reading frame. Although this mutation has not, to our knowledge, been reported in the literature, it is predicted to cause loss of normal protein function through either protein truncation or nonsense-mediated mRNA decay. We consider BRCA1 c.1363_1364insT, also known as c.1482insT using alternate nomenclature, to be pathogenic and is indicative of Hereditary Breast and Ovarian Cancer (HBOC), an autosomal dominant condition that predisposes to early onset breast cancer, ovarian and fallopian tube cancer, as well as other cancers. Breast and ovarian cancer are the predominant BRCA1-related cancers that unaffected female mutation carriers are at risk to develop. The lifetime risk for breast cancer is estimated to be 57 to 84% and the lifetime risk for ovarian cancer is estimated to be 24 to 54% (Antoniou 2003, Chen 2007, Ford 1998). BRCA1 mutations have also been reported in women with fallopian tube carcinoma, primary peritoneal carcinoma, and uterine serous carcinoma (Levine 2003, Pennington 2013). Graeser et al. (2009) found that women who harbor pathogenic BRCA1 or 2 mutations have an increased risk for contralateral breast cancer that is dependent on age at initial diagnosis. It is estimated that the risk to develop a second breast cancer within 10 years of the first diagnosis if initially diagnosed less than 40 years of age is 21 to 31%, between the ages of 40 and 50 is 11 to 13% and after the age of 50 is 8%. Additionally, it is estimated that the risk to develop a second breast cancer within 25 years of their first diagnosis if initially diagnosed less than 40 years of age is 63%, between the ages of 40 and 50 is 44 to 49% and after the age of 50 is 20%. Other cancer risks associated with a BRCA1 pathogenic variant include approximately a 20% risk for prostate cancer in male carriers (Thompson 2002), a 4% risk for male breast cancer (Liede 2004), and an estimated 1 to 3% risk for pancreatic cancer in both men and women (Brose 2002, Thompson 2002). The variant is found in BRCA panel(s).